The following is an entry in ClinVar:

ClinVar aggregate classification (germline): Likely pathogenic (1 of 4 stars; one submission).

Conditions:
Dilated cardiomyopathy 1G (CMD1G). Identifiers: Orphanet 154, MedGen C1858763, MONDO:0011400, OMIM 604145.
Autosomal recessive limb-girdle muscular dystrophy type 2J (LGMDR10). Also called: Limb-girdle muscular dystrophy, type 2J; MUSCULAR DYSTROPHY, LIMB-GIRDLE, AUTOSOMAL RECESSIVE 10. Identifiers: Orphanet 140922, MedGen C1837342, MONDO:0012127, OMIM 608807.

Submission:

Labcorp Genetics (formerly Invitae), Labcorp
Classification: Likely pathogenic for Dilated cardiomyopathy 1G; Autosomal recessive limb-girdle muscular dystrophy type 2J. Last evaluated: 2025-08-13. Review status: criteria provided, single submitter. Criteria: Invitae Variant Classification Sherloc (09022015). Collection method: clinical testing. Allele origin: germline.
Comment: This sequence change creates a premature translational stop signal (p.Ile23734Asnfs*10) in the TTN gene. While this is not anticipated to result in nonsense mediated decay, it is expected to create a truncated TTN protein. This variant is not present in population databases (gnomAD no frequency). This variant has not been reported in the literature in individuals affected with TTN-related conditions. ClinVar contains an entry for this variant (Variation ID: 1515834). This variant is located in the A band of TTN (PMID: 25589632). Truncating variants in this region are significantly overrepresented in patients affected with dilated cardiomyopathy (PMID: 25589632). Truncating variants in this region have also been reported in individuals affected with autosomal recessive centronuclear myopathy (PMID: 23975875). In summary, the currently available evidence indicates that the variant is pathogenic, but additional data are needed to prove that conclusively. Therefore, this variant has been classified as Likely Pathogenic.

Literature cited by the submitters: PubMed 25589632; PubMed 23975875.

NM_001267550.2(TTN):c.71201_71204del (p.Ile23734fs)

Genes: TTN (titin; minus strand), TTN-AS1 (TTN antisense RNA 1; plus strand). Cytogenetic location: 2q31.2.
Variant type: Deletion.
Coding change: c.71201_71204del on transcript NM_001267550.2 (MANE Select); coding-DNA positions 71201 to 71204, 4 bases deleted (TCAA; older notation c.71201_71204delTCAA).
Protein change: p.Ile23734fs; shifts the reading frame from isoleucine 23734.
Molecular consequence: frameshift variant.
Genome position (GRCh38, 1-based): chr2:178,574,928-178,574,931, TTGA deleted on the plus strand (TCAA on the coding strand, the reverse complement: TTN is on the minus strand); deleting any 4 consecutive bases within chr2:178,574,928-178,574,934 gives the same sequence; the c. name uses the placement nearest the transcript's 3' end. VCF-style (leftmost placement, unchanged base first): chr2-178574927-TTTGA-T. GRCh37 (hg19) VCF-style: chr2-179439654-TTTGA-T.
Other names: c.66278_66281del, p.Ile22093fs (NM_001256850.1); c.44006_44009del, p.Ile14669fs (NM_003319.4); c.63497_63500del, p.Ile21166fs (NM_133378.4); c.44381_44384del, p.Ile14794fs (NM_133432.3); c.44582_44585del, p.Ile14861fs (NM_133437.4); short protein forms I14669fs, I23734fs, I22093fs, I14794fs, I21166fs, I14861fs.
Identifiers: ClinVar variation 1515834 (VCV001515834.6), dbSNP rs2154171881, ClinGen allele CA2573134317.
Genomic context (GRCh38, chr2:178,574,927, plus strand): 5'-ACCATCGTTCTCAGGTGGGTCCCAAGAGAAGGTTACAAAATCAGATGAAACTTCATCAAA[TTTGA>T]TTGGTCCAGTAGGTGGCCCTGGGATATCATGGACTTGAATGGTGATGACATCACCAACCT-3'